The following is an entry in ClinVar:

NM_001161352.2(KCNMA1):c.135_143dup (p.Ser60_Val61insSerSerSer)

Gene: KCNMA1 (potassium calcium-activated channel subfamily M alpha 1; minus strand). Cytogenetic location: 10q22.3.
Variant type: Duplication.
Coding change: c.135_143dup on transcript NM_001161352.2 (MANE Select); coding-DNA positions 135 to 143, 9 bases duplicated (CTCTTCCTC; older notation c.135_143dupCTCTTCCTC).
Protein change: p.Ser60_Val61insSerSerSer.
Genome position (GRCh38, 1-based): chr10:77,637,500-77,637,508, GAGGAAGAG duplicated on the plus strand (CTCTTCCTC on the coding strand, the reverse complement: KCNMA1 is on the minus strand); duplicating any 9 consecutive bases within chr10:77,637,500-77,637,513 gives the same sequence; the c. name uses the placement nearest the transcript's 3' end. VCF-style (leftmost placement, unchanged base first): chr10-77637499-A-AGAGGAAGAG. GRCh37 (hg19) VCF-style: chr10-79397257-A-AGAGGAAGAG.
Other names: c.135_143dup, p.Ser60_Val61insSerSerSer (NM_001014797.3, NM_001161353.2, NM_001271518.2 and 13 more transcripts).
Identifiers: ClinVar variation 3679854 (VCV003679854.2).

ClinVar aggregate classification (germline): Uncertain significance (1 of 4 stars; one submission).

Conditions:
Generalized epilepsy-paroxysmal dyskinesia syndrome (PNKD3). Also called: Paroxysmal nonkinesigenic dyskinesia, 3, with or without generalized epilepsy; Generalized epilepsy and paroxysmal dyskinesia. Identifiers: Orphanet 79137, MedGen C5574945, MONDO:0012276, OMIM 609446.

Submission:

Labcorp Genetics (formerly Invitae), Labcorp
Classification: Uncertain significance for Generalized epilepsy-paroxysmal dyskinesia syndrome. Last evaluated: 2024-11-18. Review status: criteria provided, single submitter. Criteria: Invitae Variant Classification Sherloc (09022015). Collection method: clinical testing. Allele origin: germline.
Comment: This variant, c.135_143dup, results in the insertion of 3 amino acid(s) of the KCNMA1 protein (p.Ser58_Ser60dup), but otherwise preserves the integrity of the reading frame. This variant is not present in population databases (gnomAD no frequency). This variant has not been reported in the literature in individuals affected with KCNMA1-related conditions. In summary, the available evidence is currently insufficient to determine the role of this variant in disease. Therefore, it has been classified as a Variant of Uncertain Significance.